The following is an entry in ClinVar:

ClinVar aggregate classification (germline): Likely benign (1 of 4 stars; one submission).

Conditions:
SYNE2-related disorder. Also called: SYNE2-related condition.

Submission:

PreventionGenetics, part of Exact Sciences
Classification: Likely benign for SYNE2-related condition. Last evaluated: 2025-01-11. Review status: criteria provided, single submitter. Criteria: ACMG Guidelines, 2015. Collection method: clinical testing. Allele origin: germline.
Comment: This variant is classified as likely benign based on ACMG/AMP sequence variant interpretation guidelines (Richards et al. 2015 PMID: 25741868, with internal and published modifications).

NM_182914.3(SYNE2):c.788-4G>T

Gene: SYNE2 (spectrin repeat containing nuclear envelope protein 2; plus strand). Cytogenetic location: 14q23.2.
Variant type: single nucleotide variant.
Coding change: c.788-4G>T on transcript NM_182914.3 (MANE Select); 4 bases into the intron before coding-DNA position 788, G replaced by T.
Molecular consequence: intron variant.
Genome position (GRCh38, 1-based): chr14:63,961,521, G>T. VCF-style: chr14-63961521-G-T. GRCh37 (hg19) VCF-style: chr14-64428239-G-T.
Other names: c.788-4G>T (NM_015180.6).
Identifiers: ClinVar variation 4983666 (VCV004983666.1).